The following is an entry in ClinVar:

NM_000276.4(OCRL):c.1457G>A (p.Trp486Ter)

Gene: OCRL (OCRL inositol polyphosphate-5-phosphatase; plus strand). Cytogenetic location: Xq26.1.
Variant type: single nucleotide variant.
Coding change: c.1457G>A on transcript NM_000276.4 (MANE Select); coding-DNA position 1457, G replaced by A.
Protein change: p.Trp486Ter; replaces tryptophan 486 with a stop codon.
Molecular consequence: nonsense.
Genome position (GRCh38, 1-based): chrX:129,567,354, G>A. VCF-style: chrX-129567354-G-A. GRCh37 (hg19) VCF-style: chrX-128701331-G-A.
Other names: c.1460G>A, p.Trp487Ter (NM_001318784.2); c.1457G>A, p.Trp486Ter (NM_001587.4); short protein forms W486*, W487*.
Identifiers: ClinVar variation 3775753 (VCV003775753.1).

ClinVar aggregate classification (germline): Likely pathogenic (1 of 4 stars; one submission).

Conditions:
Lowe syndrome (OCRL). Also called: LOWE OCULOCEREBRORENAL SYNDROME; PHOSPHATIDYLINOSITOL 4,5-BISPHOSPHATE 5-PHOSPHATASE DEFICIENCY; Oculocerebrorenal Syndrome. Identifiers: Orphanet 534, MedGen C0028860, MONDO:0010645, OMIM 309000.

Submission:

3billion
Classification: Likely pathogenic for Lowe syndrome. Last evaluated: 2024-01-18. Review status: criteria provided, single submitter. Criteria: ACMG Guidelines, 2015. Collection method: clinical testing. Allele origin: germline. Affected: yes.
Comment: The variant is not observed in the gnomAD v2.1.1 dataset. Predicted Consequence/Location: Stop-gained (nonsense): predicted to result in a loss or disruption of normal protein function through nonsense-mediated decay (NMD) or protein truncation. Multiple pathogenic variants are reported downstream of the variant. Therefore, this variant is classified as Likely pathogenic according to the recommendation of ACMG/AMP guideline.